The following is an entry in ClinVar:

ClinVar aggregate classification (germline): Pathogenic (1 of 4 stars; one submission).

Submission:

Labcorp Genetics (formerly Invitae), Labcorp
Classification: Pathogenic. Last evaluated: 2023-02-02. Review status: criteria provided, single submitter. Criteria: Invitae Variant Classification Sherloc (09022015). Collection method: clinical testing. Allele origin: germline.
Comment: This sequence change creates a premature translational stop signal (p.Pro1205Alafs*41) in the LTBP2 gene. It is expected to result in an absent or disrupted protein product. Loss-of-function variants in LTBP2 are known to be pathogenic (PMID: 19361779, 19656777, 22025892). This variant is not present in population databases (gnomAD no frequency). This variant has not been reported in the literature in individuals affected with LTBP2-related conditions. For these reasons, this variant has been classified as Pathogenic.

Literature cited by the submitters: PubMed 19361779; PubMed 19656777; PubMed 22025892.

NM_000428.3(LTBP2):c.3611_3612insT (p.Pro1205fs)

Gene: LTBP2 (latent transforming growth factor beta binding protein 2; minus strand). Cytogenetic location: 14q24.3.
Variant type: Insertion.
Coding change: c.3611_3612insT on transcript NM_000428.3 (MANE Select); coding-DNA positions 3611 to 3612, T inserted.
Protein change: p.Pro1205fs; shifts the reading frame from proline 1205.
Molecular consequence: frameshift variant.
Genome position: GRCh38 VCF-style: chr14-74508644-C-CA. GRCh37 (hg19) VCF-style: chr14-74975347-C-CA.
Other names: short protein forms P1205fs.
Identifiers: ClinVar variation 2871262 (VCV002871262.3), dbSNP rs2506136232, ClinGen allele CA2739279780.
Genomic context (GRCh38, chr14:74,508,644, plus strand): 5'-TAGCTGTGCTGGCTTCTCACCCTGGCAGCTGGTGCCCCCCTCTGCGCTGACGAAGCCAGG[C>CA]GCGCACAGACAGAAGAAAGACCCGTGGCTGTTGAGGCACTCGCCGTGGGGTGCGCAGTGC-3'